The following is an entry in ClinVar:

ClinVar aggregate classification (germline): Uncertain significance (1 of 4 stars; one submission).

Conditions:
Hereditary cancer-predisposing syndrome. Also called: Neoplastic Syndromes, Hereditary; Hereditary Cancer Syndrome; Hereditary neoplastic syndrome; Tumor predisposition. Identifiers: Orphanet 140162, MedGen C0027672, MeSH D009386, MONDO:0015356.

Submission:

Ambry Genetics
Classification: Uncertain significance for Hereditary cancer-predisposing syndrome. Last evaluated: 2023-06-09. Review status: criteria provided, single submitter. Criteria: Ambry Variant Classification Scheme 2023. Collection method: clinical testing. Allele origin: germline.
Comment: The p.S623G variant (also known as c.1867A>G), located in coding exon 11 of the PMS2 gene, results from an A to G substitution at nucleotide position 1867. The serine at codon 623 is replaced by glycine, an amino acid with similar properties. This amino acid position is conserved. In addition, this alteration is predicted to be tolerated by in silico analysis. Since supporting evidence is limited at this time, the clinical significance of this alteration remains unclear.

NM_000535.7(PMS2):c.1867A>G (p.Ser623Gly)

Gene: PMS2 (PMS1 homolog 2, mismatch repair system component; minus strand). Cytogenetic location: 7p22.1.
Variant type: single nucleotide variant.
Coding change: c.1867A>G on transcript NM_000535.7 (MANE Select); coding-DNA position 1867, A replaced by G.
Protein change: p.Ser623Gly; replaces serine 623 with glycine.
Molecular consequence: missense variant. On other transcripts: non-coding transcript variant (1), intron variant (1).
Genome position (GRCh38, 1-based): chr7:5,986,898, T>C on the plus strand (A>G on the coding strand, the complement: PMS2 is on the minus strand). VCF-style: chr7-5986898-T-C. GRCh37 (hg19) VCF-style: chr7-6026529-T-C.
Other names: c.2053A>G, p.Ser685Gly (NM_001406866.1); c.1891A>G, p.Ser631Gly (NM_001406868.1); c.1759A>G, p.Ser587Gly (NM_001406869.1); c.1711A>G, p.Ser571Gly (NM_001406870.1, NM_001322006.2); c.1867A>G, p.Ser623Gly (NM_001406871.1, NM_001406872.1, NM_001322014.2); c.1669A>G, p.Ser557Gly (NM_001406873.1); c.1699A>G, p.Ser567Gly (NM_001406874.1); c.1558A>G, p.Ser520Gly (NM_001406875.1, NM_001406877.1, NM_001406878.1 and 5 more transcripts); and 13 more; short protein forms S312G, S488G, S515G, S517G, S557G, S631G, S685G, S436G.
Identifiers: ClinVar variation 2566088 (VCV002566088.2), dbSNP rs1562626548, ClinGen allele CA366739509.